The following is an entry in ClinVar:

ClinVar aggregate classification (germline): Uncertain significance (1 of 4 stars; one submission).

Submission:

Ambry Genetics
Classification: Uncertain significance. Last evaluated: 2025-10-28. Review status: criteria provided, single submitter. Criteria: Ambry Variant Classification Scheme 2023. Collection method: clinical testing. Allele origin: germline.
Comment: The p.Q568H variant (also known as c.1704G>C), located in coding exon 17 of the KIF1B gene, results from a G to C substitution at nucleotide position 1704. The glutamine at codon 568 is replaced by histidine, an amino acid with highly similar properties. This amino acid position is conserved. In addition, this alteration is predicted to be tolerated by in silico analysis. Based on the available evidence, the clinical significance of this variant remains unclear.

NM_001365951.3(KIF1B):c.1842G>C (p.Gln614His)

Gene: KIF1B (kinesin family member 1B; plus strand). Cytogenetic location: 1p36.22.
Variant type: single nucleotide variant.
Coding change: c.1842G>C on transcript NM_001365951.3 (MANE Select); coding-DNA position 1842, G replaced by C.
Protein change: p.Gln614His; replaces glutamine 614 with histidine.
Molecular consequence: missense variant.
Genome position (GRCh38, 1-based): chr1:10,296,646, G>C. VCF-style: chr1-10296646-G-C. GRCh37 (hg19) VCF-style: chr1-10356704-G-C.
Other names: c.1842G>C, p.Gln614His (NM_001365952.1); c.1704G>C, p.Gln568His (NM_001365953.1, NM_015074.3, NM_183416.4); short protein forms Q568H, Q614H.
Identifiers: ClinVar variation 4543658 (VCV004543658.1).